The following is an entry in ClinVar:

ClinVar aggregate classification (germline): Pathogenic. Review status: criteria provided, multiple submitters, no conflicts (2 of 4 stars). 3 submissions from 3 submitters: Pathogenic (2). 1 of the submissions does not count toward it. Last evaluated 2024-05-21.

Conditions:
Marfan syndrome (MFS). Also called: Marfan syndrome type 1; Marfan syndrome, classic; Marfan's syndrome; FBN1-Related Marfan Syndrome; MARFAN SYNDROME, TYPE I. Identifiers: Orphanet 284963, Orphanet 558, MedGen C0024796, MONDO:0007947, OMIM 154700.
Familial thoracic aortic aneurysm and aortic dissection (TAAD). Also called: Thoracic aortic aneurysms and dissections. Identifiers: Orphanet 91387, MedGen C4707243, MONDO:0019625.

Submissions (3):

Labcorp Genetics (formerly Invitae), Labcorp
Classification: Pathogenic for Marfan syndrome; Familial thoracic aortic aneurysm and aortic dissection. Last evaluated: 2024-05-21. Review status: criteria provided, single submitter. Criteria: Invitae Variant Classification Sherloc (09022015). Collection method: clinical testing. Allele origin: germline.
Comment: This sequence change replaces cysteine, which is neutral and slightly polar, with serine, which is neutral and polar, at codon 1672 of the FBN1 protein (p.Cys1672Ser). This variant is not present in population databases (gnomAD no frequency). This missense change has been observed in individual(s) with clinical features of FBN1-related conditions (PMID: 22913777). ClinVar contains an entry for this variant (Variation ID: 549257). Advanced modeling of protein sequence and biophysical properties (such as structural, functional, and spatial information, amino acid conservation, physicochemical variation, residue mobility, and thermodynamic stability) performed at Invitae indicates that this missense variant is expected to disrupt FBN1 protein function with a positive predictive value of 95%. This variant affects a cysteine residue in the EGF-like, TGFBP or hybrid motif domains of FBN1. Cysteine residues are believed to be involved in intramolecular disulfide bridges and have been shown to be important for FBN1 protein structure (PMID: 16905551, 19349279). In addition, missense substitutions affecting cysteine residues within these domains are significantly overrepresented among patients with Marfan syndrome (PMID: 16571647, 17701892). This variant disrupts the p.Cys1672 amino acid residue in FBN1. Other variant(s) that disrupt this residue have been observed in individuals with FBN1-related conditions (PMID: 10486319, 18435798), which suggests that this may be a clinically significant amino acid residue. For these reasons, this variant has been classified as Pathogenic.

Ambry Genetics
Classification: Pathogenic for Familial thoracic aortic aneurysm and aortic dissection. Last evaluated: 2022-01-11. Review status: criteria provided, single submitter. Criteria: Ambry Variant Classification Scheme 2023. Collection method: clinical testing. Allele origin: germline.
Comment: The p.C1672S pathogenic mutation (also known as c.5015G>C), located in coding exon 40 of the FBN1 gene, results from a G to C substitution at nucleotide position 5015. The cysteine at codon 1672 is replaced by serine, an amino acid with dissimilar properties, and is located in the cbEGF-like #24 domain. This variant was reportedly detected in a literature review of cases with confirmed genetic skeletal disorders including Marfan syndrome (MFS), and in an individual from a MFS cohort; however, clinical details were limited (Cui Y et al. Orphanet J Rare Dis. 2012 Aug;7:55; MacKintosh EW et al. Pediatr Cardiol. 2021 Mar;42(3):510-516). This alteration has been observed in at least one individual with a personal and/or family history that is consistent with MFS (Ambry internal data). Other variants affecting this codon (p.C1672R (c.5014T>C), p.C1672F (c.5015G>T), and p.C1672Y (c.5015G>A)) have been reported in association with MFS or MFS-related features (Schrijver I et al. Am. J. Hum. Genet., 1999;Attanasio M et al. Clin. Genet., 2008 Jul;74:39-46). The majority of FBN1 mutations identified to date have involved the substitution or generation of cysteine residues within cbEGF domains (Vollbrandt T et al. J Biol Chem. 2004;279(31):32924-32931). Based on internal structural assessment, this alteration eliminates a structurally critical disulfide in the structurally sensitive cbEGF-like domain #24. This variant is considered to be rare based on population cohorts in the Genome Aggregation Database (gnomAD). In addition, this alteration is predicted to be deleterious by in silico analysis. Based on the supporting evidence, this alteration is interpreted as a disease-causing mutation.

Center for Medical Genetics Ghent, University of Ghent
Classification: Pathogenic for Marfan syndrome. Last evaluated: 2017-11-07. Review status: no assertion criteria provided. Collection method: clinical testing. Allele origin: de novo. Affected: yes. Not counted in ClinVar's aggregate classification.

Literature cited by the submitters: PubMed 22913777 (cited by Labcorp Genetics (formerly Invitae), Labcorp and Ambry Genetics); PubMed 16905551 (cited by Labcorp Genetics (formerly Invitae), Labcorp); PubMed 19349279 (cited by Labcorp Genetics (formerly Invitae), Labcorp); PubMed 16571647 (cited by Labcorp Genetics (formerly Invitae), Labcorp); PubMed 17701892 (cited by Labcorp Genetics (formerly Invitae), Labcorp); PubMed 10486319 (cited by Labcorp Genetics (formerly Invitae), Labcorp and Ambry Genetics); PubMed 18435798 (cited by Labcorp Genetics (formerly Invitae), Labcorp and Ambry Genetics); PubMed 33394117 (cited by Ambry Genetics).

NM_000138.5(FBN1):c.5015G>C (p.Cys1672Ser)

Gene: FBN1 (fibrillin 1; minus strand). Cytogenetic location: 15q21.1.
Variant type: single nucleotide variant.
Coding change: c.5015G>C on transcript NM_000138.5 (MANE Select); coding-DNA position 5015, G replaced by C.
Protein change: p.Cys1672Ser; replaces cysteine 1672 with serine.
Molecular consequence: missense variant.
Genome position (GRCh38, 1-based): chr15:48,463,949, C>G on the plus strand (G>C on the coding strand, the complement: FBN1 is on the minus strand). VCF-style: chr15-48463949-C-G. GRCh37 (hg19) VCF-style: chr15-48756146-C-G.
Other names: short protein forms C1672S.
Identifiers: ClinVar variation 549257 (VCV000549257.5), dbSNP rs140627, ClinGen allele CA500016.